The following is an entry in ClinVar:

NM_000037.4(ANK1):c.*1899G>A

Gene: ANK1 (ankyrin 1; minus strand). Cytogenetic location: 8p11.21.
Variant type: single nucleotide variant.
Coding change: c.*1899G>A on transcript NM_000037.4 (MANE Select); 1899 bases downstream of the stop codon, G replaced by A.
Molecular consequence: 3 prime UTR variant.
Genome position (GRCh38, 1-based): chr8:41,653,891, C>T on the plus strand (G>A on the coding strand, the complement: ANK1 is on the minus strand). VCF-style: chr8-41653891-C-T. GRCh37 (hg19) VCF-style: chr8-41511410-C-T.
Other names: c.*1836G>A (NM_001142445.2, NM_001142446.2, NM_020475.3 and 3 more transcripts); c.*1899G>A (NM_020478.5).
Identifiers: ClinVar variation 362958 (VCV000362958.6), dbSNP rs72638943, ClinGen allele CA10625403.

ClinVar aggregate classification (germline): Benign/Likely benign. Review status: criteria provided, multiple submitters, no conflicts (2 of 4 stars). 3 submissions from 2 submitters: Benign (1); Likely benign (2). Last evaluated 2018-01-12.

Conditions:
Hereditary spherocytosis type 1. Also called: Spherocytosis type 1; ANK1-Related Spherocytosis. Identifiers: Orphanet 822, MedGen C2674218, MONDO:0008447, OMIM 182900.
Spherocytosis. Identifiers: MedGen C0553720, HP:0004444.

Allele frequency attached by ClinVar (database versions not stated): 1000 Genomes Project 0.03894; 1000 Genomes Project 30x 0.03951; gnomAD exomes 0.04167; gnomAD 0.04473 and 0.04611; TOPMed 0.04803.
gnomAD v4.1: 6,802 of 152,298 alleles (4.5%); highest among the groups gnomAD compares: African/African-American, 8.5%; 220 homozygotes.

Submissions (3):

Illumina Laboratory Services, Illumina
Classification: Benign for Hereditary spherocytosis type 1. Last evaluated: 2018-01-12. Review status: criteria provided, single submitter. Criteria: ICSL Variant Classification Criteria 13 December 2019. Collection method: clinical testing. Allele origin: germline.
Comment: This variant was observed in the ICSL laboratory as part of a predisposition screen in an ostensibly healthy population. It had not been previously curated by ICSL or reported in the Human Gene Mutation Database (HGMD: prior to June 1st, 2018), and was therefore a candidate for classification through an automated scoring system. Utilizing variant allele frequency, disease prevalence and penetrance estimates, and inheritance mode, an automated score was calculated to assess if this variant is too frequent to cause the disease. Based on the score and internal cut-off values, a variant classified as benign is not then subjected to further curation. The score for this variant resulted in a classification of benign for this disease.

Illumina Laboratory Services, Illumina
Classification: Likely benign for Spherocytosis. Last evaluated: 2018-01-12. Review status: criteria provided, single submitter. Criteria: ICSL Variant Classification Criteria 13 December 2019. Collection method: clinical testing. Allele origin: germline.
Comment: This variant was observed in the ICSL laboratory as part of a predisposition screen in an ostensibly healthy population. It had not been previously curated by ICSL or reported in the Human Gene Mutation Database (HGMD: prior to June 1st, 2018), and was therefore a candidate for classification through an automated scoring system. Utilizing variant allele frequency, disease prevalence and penetrance estimates, and inheritance mode, an automated score was calculated to assess if this variant is too frequent to cause the disease. Based on the score and internal cut-off values, a variant classified as likely benign is not then subjected to further curation. The score for this variant resulted in a classification of likely benign for this disease.

Breakthrough Genomics
Classification: Likely benign. Review status: criteria provided, single submitter. Criteria: ACMG Guidelines, 2015. Collection method: not provided. Allele origin: germline. Inheritance: Autosomal dominant inheritance. Affected: yes.